The following is an entry in ClinVar:

ClinVar aggregate classification (germline): Uncertain significance (1 of 4 stars; one submission).

Conditions:
Cornelia de Lange syndrome 1 (CDLS1). Also called: Brachmann de Lange syndrome; TYPUS DEGENERATIVUS AMSTELODAMENSIS; NIPBL-Related Cornelia de Lange Syndrome. Identifiers: Orphanet 199, MedGen C4551851, MONDO:0007387, OMIM 122470.

Allele frequency attached by ClinVar (database versions not stated): ExAC 0.00001.
gnomAD v4.1: 5 of 1,612,042 alleles (0.00031%); highest among the groups gnomAD compares: Non-Finnish European, 0.00034%; no homozygotes.

Submission:

Labcorp Genetics (formerly Invitae), Labcorp
Classification: Uncertain significance for Cornelia de Lange syndrome 1. Last evaluated: 2024-10-25. Review status: criteria provided, single submitter. Criteria: Invitae Variant Classification Sherloc (09022015). Collection method: clinical testing. Allele origin: germline.
Comment: This sequence change replaces alanine, which is neutral and non-polar, with valine, which is neutral and non-polar, at codon 1099 of the NIPBL protein (p.Ala1099Val). This variant is present in population databases (rs762670218, gnomAD 0.002%). This variant has not been reported in the literature in individuals affected with NIPBL-related conditions. ClinVar contains an entry for this variant (Variation ID: 1908703). Invitae Evidence Modeling of protein sequence and biophysical properties (such as structural, functional, and spatial information, amino acid conservation, physicochemical variation, residue mobility, and thermodynamic stability) indicates that this missense variant is not expected to disrupt NIPBL protein function with a negative predictive value of 95%. In summary, the available evidence is currently insufficient to determine the role of this variant in disease. Therefore, it has been classified as a Variant of Uncertain Significance.

NM_133433.4(NIPBL):c.3296C>T (p.Ala1099Val)

Gene: NIPBL (NIPBL cohesin loading factor; plus strand). Cytogenetic location: 5p13.2.
Variant type: single nucleotide variant.
Coding change: c.3296C>T on transcript NM_133433.4 (MANE Select); coding-DNA position 3296, C replaced by T.
Protein change: p.Ala1099Val; replaces alanine 1099 with valine.
Molecular consequence: missense variant.
Genome position (GRCh38, 1-based): chr5:36,995,796, C>T. VCF-style: chr5-36995796-C-T. GRCh37 (hg19) VCF-style: chr5-36995898-C-T.
Other names: c.3296C>T, p.Ala1099Val (NM_015384.5); short protein forms A1099V.
Identifiers: ClinVar variation 1908703 (VCV001908703.5), dbSNP rs762670218, ClinGen allele CA3236305.
Genomic context (GRCh38, chr5:36,995,796, plus strand): 5'-TTAATGAAAAGCCAAAATATGCTGAAATCAGTTCAGATGAAGATAATGATAGTGATGAAG[C>T]TTTTGAATGTAAGTATCACAGAACTCTTTGTTATTATTTTAGAGTTTAAAAGCAGGTTGA-3'
Protein context (NP_597677.2, residues 1089-1109): SSDEDNDSDE[Ala1099Val]FESSRKRHKK